The following is an entry in ClinVar:

ClinVar aggregate classification (germline): Uncertain significance (1 of 4 stars; one submission).

Allele frequency attached by ClinVar (database versions not stated): ExAC 0.00001; TOPMed 0.00001; gnomAD 0.00003.
gnomAD v4.1: 4 of 1,607,014 alleles (0.00025%); highest among the groups gnomAD compares: African/African-American, 0.0053%; no homozygotes.

Submission:

Labcorp Genetics (formerly Invitae), Labcorp
Classification: Uncertain significance. Last evaluated: 2022-08-10. Review status: criteria provided, single submitter. Criteria: Invitae Variant Classification Sherloc (09022015). Collection method: clinical testing. Allele origin: germline.
Comment: This sequence change replaces proline, which is neutral and non-polar, with threonine, which is neutral and polar, at codon 423 of the GTPBP3 protein (p.Pro423Thr). This variant is present in population databases (rs779997383, gnomAD 0.01%). This variant has not been reported in the literature in individuals affected with GTPBP3-related conditions. Algorithms developed to predict the effect of missense changes on protein structure and function output the following: SIFT: "Tolerated"; PolyPhen-2: "Benign"; Align-GVGD: "Class C0". The threonine amino acid residue is found in multiple mammalian species, which suggests that this missense change does not adversely affect protein function. In summary, the available evidence is currently insufficient to determine the role of this variant in disease. Therefore, it has been classified as a Variant of Uncertain Significance.

NM_032620.4(GTPBP3):c.1171C>A (p.Pro391Thr)

Gene: GTPBP3 (GTP binding protein 3, mitochondrial; plus strand). Cytogenetic location: 19p13.11.
Variant type: single nucleotide variant.
Coding change: c.1171C>A on transcript NM_032620.4 (MANE Select); coding-DNA position 1171, C replaced by A.
Protein change: p.Pro391Thr; replaces proline 391 with threonine.
Molecular consequence: missense variant.
Genome position (GRCh38, 1-based): chr19:17,341,240, C>A. VCF-style: chr19-17341240-C-A. GRCh37 (hg19) VCF-style: chr19-17452049-C-A.
Other names: c.1267C>A, p.Pro423Thr (NM_133644.4); c.1108C>A, p.Pro370Thr (NM_001128855.3); c.1237C>A, p.Pro413Thr (NM_001195422.1); short protein forms P423T, P370T, P391T, P413T.
Identifiers: ClinVar variation 1935938 (VCV001935938.2), dbSNP rs779997383, ClinGen allele CA9293657.
Genomic context (GRCh38, chr19:17,341,240, plus strand): 5'-CTGGTGCTGAACAAGTCGGACCTGCTGTCCCCGGAGGGCCCAGGTCCCGGTCCTGACCTG[C>A]CCCCGCACCTGCTGCTGTCCTGTCTGACGGGAGAGGGGCTGGACGGCCTCCTGGAGGCGC-3'
Protein context (NP_116009.2, residues 381-401): PEGPGPGPDL[Pro391Thr]PHLLLSCLTG